The following is an entry in ClinVar:

NM_004260.4(RECQL4):c.1913T>C (p.Leu638Pro)

Gene: RECQL4 (RecQ like helicase 4; minus strand). Cytogenetic location: 8q24.3.
Variant type: single nucleotide variant.
Coding change: c.1913T>C on transcript NM_004260.4 (MANE Select); coding-DNA position 1913, T replaced by C.
Protein change: p.Leu638Pro; replaces leucine 638 with proline.
Molecular consequence: missense variant.
Genome position (GRCh38, 1-based): chr8:144,514,073, A>G on the plus strand (T>C on the coding strand, the complement: RECQL4 is on the minus strand). VCF-style: chr8-144514073-A-G. GRCh37 (hg19) VCF-style: chr8-145739457-A-G.
Other names: short protein forms L638P.
Identifiers: ClinVar variation 845408 (VCV000845408.6), dbSNP rs977450143, ClinGen allele CA187684587.

ClinVar aggregate classification (germline): Likely pathogenic (1 of 4 stars; one submission).

Conditions:
Baller-Gerold syndrome (BGS). Also called: CRANIOSYNOSTOSIS WITH RADIAL DEFECTS. Identifiers: Orphanet 1225, MedGen C0265308, MONDO:0009039, OMIM 218600.

Allele frequency attached by ClinVar (database versions not stated): gnomAD 0.00001; gnomAD exomes 0.00001; TOPMed 0.00001.
gnomAD v4.1: 19 of 1,593,070 alleles (0.0012%); highest among the groups gnomAD compares: Non-Finnish European, 0.0015%; no homozygotes.

Submission:

Labcorp Genetics (formerly Invitae), Labcorp
Classification: Likely pathogenic for Baller-Gerold syndrome. Last evaluated: 2024-03-10. Review status: criteria provided, single submitter. Criteria: Invitae Variant Classification Sherloc (09022015). Collection method: clinical testing. Allele origin: germline.
Comment: This sequence change replaces leucine, which is neutral and non-polar, with proline, which is neutral and non-polar, at codon 638 of the RECQL4 protein (p.Leu638Pro). This variant is not present in population databases (gnomAD no frequency). This missense change has been observed in individual(s) with Rothmund-Thomson syndrome (PMID: 17372760, 18716613, 24635570). In at least one individual the data is consistent with being in trans (on the opposite chromosome) from a pathogenic variant. ClinVar contains an entry for this variant (Variation ID: 845408). Advanced modeling of protein sequence and biophysical properties (such as structural, functional, and spatial information, amino acid conservation, physicochemical variation, residue mobility, and thermodynamic stability) performed at Invitae indicates that this missense variant is expected to disrupt RECQL4 protein function with a positive predictive value of 80%. In summary, the currently available evidence indicates that the variant is pathogenic, but additional data are needed to prove that conclusively. Therefore, this variant has been classified as Likely Pathogenic.

Literature cited by the submitters: PubMed 17372760; PubMed 18716613; PubMed 24635570.